The following is an entry in ClinVar:

ClinVar aggregate classification (germline): Uncertain significance. Review status: criteria provided, multiple submitters, no conflicts (2 of 4 stars). 2 submissions from 2 submitters: Uncertain significance (2). Last evaluated 2024-04-11.

Allele frequency attached by ClinVar (database versions not stated): gnomAD exomes 0.00001; TOPMed 0.00001; gnomAD 0.00002; ExAC 0.00005; 1000 Genomes Project 30x 0.00016.
gnomAD v4.1: 14 of 1,551,700 alleles (0.0009%); highest among the groups gnomAD compares: East Asian, 0.017%; no homozygotes.

Submissions (2):

GeneDx
Classification: Uncertain significance. Last evaluated: 2024-04-11. Review status: criteria provided, single submitter. Criteria: GeneDx Variant Classification Process June 2021. Collection method: clinical testing. Allele origin: germline. Affected: yes.
Comment: In silico analysis supports that this missense variant has a deleterious effect on protein structure/function; Has not been previously published as pathogenic or benign to our knowledge; Variants in candidate genes are classified as variants of uncertain significance in accordance with ACMG guidelines (PMID: 25741868)

Ambry Genetics
Classification: Uncertain significance. Last evaluated: 2023-12-12. Review status: criteria provided, single submitter. Criteria: Ambry Variant Classification Scheme 2023. Collection method: clinical testing. Allele origin: germline.

NM_144666.3(DNHD1):c.10024C>T (p.Arg3342Trp)

Gene: DNHD1 (dynein heavy chain domain 1; plus strand). Cytogenetic location: 11p15.4.
Variant type: single nucleotide variant.
Coding change: c.10024C>T on transcript NM_144666.3 (MANE Select); coding-DNA position 10024, C replaced by T.
Protein change: p.Arg3342Trp; replaces arginine 3342 with tryptophan.
Molecular consequence: missense variant.
Genome position (GRCh38, 1-based): chr11:6,563,864, C>T. VCF-style: chr11-6563864-C-T. GRCh37 (hg19) VCF-style: chr11-6585094-C-T.
Other names: short protein forms R3342W.
Identifiers: ClinVar variation 3084663 (VCV003084663.2), dbSNP rs769777880, ClinGen allele CA5856468.
Genomic context (GRCh38, chr11:6,563,864, plus strand): 5'-CCTGCAGCCAGCCTGGCAGCCTGGCTCTGGGCTGTTCTGCACTATGGGCTGGCGCATTGC[C>T]GGGGACTGCCCACGGACCTGCTGCTGCAGCAAGTGGAGGCAACACTCACTCGGGAGCAGG-3'
Protein context (NP_653267.2, residues 3332-3352): AVLHYGLAHC[Arg3342Trp]GLPTDLLLQQ